The following is an entry in ClinVar:

ClinVar aggregate classification (germline): Benign (1 of 4 stars; one submission).

Conditions:
Cutis laxa with osteodystrophy (ARCL2A). Also called: CUTIS LAXA WITH CONGENITAL DISORDER OF GLYCOSYLATION; Autosomal recessive cutis laxa type 2A; CUTIS LAXA, AUTOSOMAL RECESSIVE, TYPE IIA; Debré-Type Cutis Laxa; CUTIS LAXA WITH BONE DYSTROPHY; CUTIS LAXA WITH GROWTH AND DEVELOPMENTAL DELAY. Identifiers: Orphanet 357058, MedGen C0268355, MONDO:0018163, OMIM 219200. Disease mechanism: loss of function.

Allele frequency attached by ClinVar (database versions not stated): 1000 Genomes Project 30x 0.00750; TOPMed 0.00834; gnomAD 0.00720 and 0.00766; 1000 Genomes Project 0.00779.

Submission:

Illumina Laboratory Services, Illumina
Classification: Benign for Cutis laxa with osteodystrophy. Last evaluated: 2018-01-13. Review status: criteria provided, single submitter. Criteria: ICSL Variant Classification Criteria 13 December 2019. Collection method: clinical testing. Allele origin: germline.
Comment: This variant was observed in the ICSL laboratory as part of a predisposition screen in an ostensibly healthy population. It had not been previously curated by ICSL or reported in the Human Gene Mutation Database (HGMD: prior to June 1st, 2018), and was therefore a candidate for classification through an automated scoring system. Utilizing variant allele frequency, disease prevalence and penetrance estimates, and inheritance mode, an automated score was calculated to assess if this variant is too frequent to cause the disease. Based on the score and internal cut-off values, a variant classified as benign is not then subjected to further curation. The score for this variant resulted in a classification of benign for this disease.

NM_012463.4(ATP6V0A2):c.*1645G>A

Gene: ATP6V0A2 (ATPase H+ transporting V0 subunit a2; plus strand). Cytogenetic location: 12q24.31.
Variant type: single nucleotide variant.
Coding change: c.*1645G>A on transcript NM_012463.4 (MANE Select); 1645 bases downstream of the stop codon, G replaced by A.
Molecular consequence: 3 prime UTR variant.
Genome position (GRCh38, 1-based): chr12:123,759,677, G>A. VCF-style: chr12-123759677-G-A. GRCh37 (hg19) VCF-style: chr12-124244224-G-A.
Identifiers: ClinVar variation 882106 (VCV000882106.4), dbSNP rs74994957, ClinGen allele CA245167189.